The following is an entry in ClinVar:

NM_014846.4(WASHC5):c.3318G>C (p.Thr1106=)

Genes: WASHC5 (WASH complex subunit 5; minus strand), LOC126860498 (P300/CBP strongly-dependent group 1 enhancer GRCh37_chr8:126043836-126045035; plus strand). Cytogenetic location: 8q24.13.
Variant type: single nucleotide variant.
Coding change: c.3318G>C on transcript NM_014846.4 (MANE Select); coding-DNA position 3318, G replaced by C.
Protein change: p.Thr1106=; no amino-acid change (threonine 1106 retained).
Molecular consequence: synonymous variant.
Genome position (GRCh38, 1-based): chr8:125,032,258, C>G on the plus strand (G>C on the coding strand, the complement: WASHC5 is on the minus strand). VCF-style: chr8-125032258-C-G. GRCh37 (hg19) VCF-style: chr8-126044500-C-G.
Other names: c.2874G>C, p.Thr958= (NM_001330609.2).
Identifiers: ClinVar variation 3778100 (VCV003778100.7).

ClinVar aggregate classification (germline): Likely benign (1 of 4 stars; one submission).

gnomAD v4.1: 2 of 1,613,916 alleles (0.00012%); highest among the groups gnomAD compares: African/African-American, 0.0013%; no homozygotes.

Submission:

CeGaT Center for Human Genetics Tuebingen
Classification: Likely benign. Last evaluated: 2025-04-01. Review status: criteria provided, single submitter. Criteria: CeGaT Center For Human Genetics Tuebingen Variant Classification Criteria Version 2. Collection method: clinical testing. Allele origin: germline. Affected: yes. Observed: 1 variant allele.
Comment: WASHC5: BP4, BP7